The following is an entry in ClinVar:

NM_001035.3(RYR2):c.4748C>T (p.Pro1583Leu)

Gene: RYR2 (ryanodine receptor 2; plus strand). Cytogenetic location: 1q43.
Variant type: single nucleotide variant.
Coding change: c.4748C>T on transcript NM_001035.3 (MANE Select); coding-DNA position 4748, C replaced by T.
Protein change: p.Pro1583Leu; replaces proline 1583 with leucine.
Molecular consequence: missense variant.
Genome position (GRCh38, 1-based): chr1:237,610,826, C>T. VCF-style: chr1-237610826-C-T. GRCh37 (hg19) VCF-style: chr1-237774126-C-T.
Other names: short protein forms P1583L.
Identifiers: ClinVar variation 1332292 (VCV001332292.32), dbSNP rs1421328710, ClinGen allele CA345402385.

ClinVar aggregate classification (germline): Uncertain significance. Review status: criteria provided, multiple submitters, no conflicts (2 of 4 stars). 3 submissions from 3 submitters: Uncertain significance (3). Last evaluated 2024-03-07.

Conditions:
Cardiomyopathy (CMYO). Also called: Cardiomyopathies. Identifiers: Orphanet 167848, MedGen C0878544, MONDO:0004994, HP:0001638. Inheritance: Various modes of inheritance.
Catecholaminergic polymorphic ventricular tachycardia 1. Also called: VENTRICULAR TACHYCARDIA, CATECHOLAMINERGIC POLYMORPHIC, 1, WITH OR WITHOUT ATRIAL DYSFUNCTION AND/OR DILATED CARDIOMYOPATHY; VENTRICULAR TACHYCARDIA, STRESS-INDUCED POLYMORPHIC 1; RYR2-Related Catecholaminergic Polymorphic Ventricular Tachycardia. Identifiers: Orphanet 3286, MedGen C1631597, MONDO:0011484, OMIM 604772.

Allele frequency attached by ClinVar (database versions not stated): gnomAD exomes below 0.00001.
gnomAD v4.1: 5 of 1,612,312 alleles (0.00031%); highest among the groups gnomAD compares: South Asian, 0.0011%; no homozygotes.

Submissions (3):

Color Diagnostics, LLC DBA Color Health
Classification: Uncertain significance for Cardiomyopathy. Last evaluated: 2024-03-07. Review status: criteria provided, single submitter. Criteria: ACMG Guidelines, 2015. Collection method: clinical testing. Allele origin: germline.
Comment: This missense variant replaces proline with leucine at codon 1583 of the RYR2 protein. Computational prediction suggests that this variant may have deleterious impact on protein structure and function (internally defined REVEL score threshold >= 0.7, PMID: 27666373). To our knowledge, functional studies have not been reported for this variant. This variant has not been reported in individuals affected with RYR2-related disorders in the literature. This variant has been identified in 1/246292 chromosomes in the general population by the Genome Aggregation Database (gnomAD). The available evidence is insufficient to determine the role of this variant in disease conclusively. Therefore, this variant is classified as a Variant of Uncertain Significance.

CeGaT Center for Human Genetics Tuebingen
Classification: Uncertain significance. Last evaluated: 2023-06-01. Review status: criteria provided, single submitter. Criteria: CeGaT Center For Human Genetics Tuebingen Variant Classification Criteria Version 2. Collection method: clinical testing. Allele origin: germline. Affected: yes. Observed: 1 variant allele.
Comment: RYR2: PP3

Labcorp Genetics (formerly Invitae), Labcorp
Classification: Uncertain significance for Catecholaminergic polymorphic ventricular tachycardia 1. Last evaluated: 2022-01-26. Review status: criteria provided, single submitter. Criteria: Invitae Variant Classification Sherloc (09022015). Collection method: clinical testing. Allele origin: germline.
Comment: This sequence change replaces proline, which is neutral and non-polar, with leucine, which is neutral and non-polar, at codon 1583 of the RYR2 protein (p.Pro1583Leu). This variant is present in population databases (no rsID available, gnomAD no frequency). This variant has not been reported in the literature in individuals affected with RYR2-related conditions. ClinVar contains an entry for this variant (Variation ID: 1332292). Advanced modeling of protein sequence and biophysical properties (such as structural, functional, and spatial information, amino acid conservation, physicochemical variation, residue mobility, and thermodynamic stability) performed at Invitae indicates that this missense variant is expected to disrupt RYR2 protein function. In summary, the available evidence is currently insufficient to determine the role of this variant in disease. Therefore, it has been classified as a Variant of Uncertain Significance.